The following is an entry in ClinVar:

ClinVar aggregate classification (germline): Uncertain significance (1 of 4 stars; one submission).

Submission:

Labcorp Genetics (formerly Invitae), Labcorp
Classification: Uncertain significance. Last evaluated: 2021-07-24. Review status: criteria provided, single submitter. Criteria: Invitae Variant Classification Sherloc (09022015). Collection method: clinical testing. Allele origin: germline.
Comment: This sequence change replaces cysteine with arginine at codon 179 of the SCN3A protein (p.Cys179Arg). The cysteine residue is highly conserved and there is a large physicochemical difference between cysteine and arginine. In summary, the available evidence is currently insufficient to determine the role of this variant in disease. Therefore, it has been classified as a Variant of Uncertain Significance. Algorithms developed to predict the effect of missense changes on protein structure and function do not agree on the potential impact of this missense change (SIFT: "Deleterious"; PolyPhen-2: "Probably Damaging"; Align-GVGD: "Class C0"). This variant has not been reported in the literature in individuals with SCN3A-related disease. This variant is not present in population databases (ExAC no frequency).

NM_006922.4(SCN3A):c.535T>C (p.Cys179Arg)

Gene: SCN3A (sodium voltage-gated channel alpha subunit 3; minus strand). Cytogenetic location: 2q24.3.
Variant type: single nucleotide variant.
Coding change: c.535T>C on transcript NM_006922.4 (MANE Select); coding-DNA position 535, T replaced by C.
Protein change: p.Cys179Arg; replaces cysteine 179 with arginine.
Molecular consequence: missense variant.
Genome position (GRCh38, 1-based): chr2:165,164,459, A>G on the plus strand (T>C on the coding strand, the complement: SCN3A is on the minus strand). VCF-style: chr2-165164459-A-G. GRCh37 (hg19) VCF-style: chr2-166020969-A-G.
Other names: c.535T>C, p.Cys179Arg (NM_001081676.2, NM_001081677.2); short protein forms C179R.
Identifiers: ClinVar variation 645973 (VCV000645973.8), dbSNP rs766115852, ClinGen allele CA349240032.
Genomic context (GRCh38, chr2:165,164,459, plus strand): 5'-CAATGACACTGAAATCCAGCCAGTTCCATGGATCACGAAGAAACGTAAAATCTTCTAAGC[A>G]AAACCCTCTTGCCAAGATTTTTATAAGTGACTCAAAGGTATAGATTCCAGTGAATGTGTA-3'
Protein context (NP_008853.3, residues 169-189): SLIKILARGF[Cys179Arg]LEDFTFLRDP